The following is an entry in ClinVar:

ClinVar aggregate classification (germline): Likely benign. Review status: criteria provided, multiple submitters, no conflicts (2 of 4 stars). 2 submissions from 2 submitters: Likely benign (2). Last evaluated 2025-04-04.

Conditions:
BDNF-related disorder. Also called: BDNF-related condition.

Allele frequency attached by ClinVar (database versions not stated): TOPMed 0.00001; ESP Exome Variant Server 0.00008.
gnomAD v4.1: 3 of 1,613,888 alleles (0.00019%); highest among the groups gnomAD compares: African/African-American, 0.0013%; no homozygotes.

Submissions (2):

PreventionGenetics, part of Exact Sciences
Classification: Likely benign for BDNF-related condition. Last evaluated: 2025-04-04. Review status: criteria provided, single submitter. Criteria: ACMG Guidelines, 2015. Collection method: clinical testing. Allele origin: germline.
Comment: This variant is classified as likely benign based on ACMG/AMP sequence variant interpretation guidelines (Richards et al. 2015 PMID: 25741868, with internal and published modifications).

Labcorp Genetics (formerly Invitae), Labcorp
Classification: Likely benign. Last evaluated: 2018-10-24. Review status: criteria provided, single submitter. Criteria: Invitae Variant Classification Sherloc (09022015). Collection method: clinical testing. Allele origin: germline.

NM_001709.5(BDNF):c.483C>A (p.Gly161=)

Genes: BDNF (brain derived neurotrophic factor; minus strand), BDNF-AS (BDNF antisense RNA; plus strand). Cytogenetic location: 11p14.1.
Variant type: single nucleotide variant.
Coding change: c.483C>A on transcript NM_001709.5 (MANE Select); coding-DNA position 483, C replaced by A.
Protein change: p.Gly161=; no amino-acid change (glycine 161 retained).
Molecular consequence: synonymous variant.
Genome position (GRCh38, 1-based): chr11:27,658,082, G>T on the plus strand (C>A on the coding strand, the complement: BDNF is on the minus strand). VCF-style: chr11-27658082-G-T. GRCh37 (hg19) VCF-style: chr11-27679629-G-T.
Other names: c.729C>A (NM_001143810.1); c.483C>A, p.Gly161= (NM_001143805.1, NM_001143806.1, NM_001143807.2 and 9 more transcripts); c.570C>A, p.Gly190= (NM_001143809.2); c.729C>A, p.Gly243= (NM_001143810.2); c.507C>A, p.Gly169= (NM_170731.5); c.528C>A, p.Gly176= (NM_170734.4).
Identifiers: ClinVar variation 793495 (VCV000793495.4), dbSNP rs376008850, ClinGen allele CA5929087.